The following is an entry in ClinVar:

NM_000719.7(CACNA1C):c.2124G>C (p.Trp708Cys)

Gene: CACNA1C (calcium voltage-gated channel subunit alpha1 C; plus strand). Cytogenetic location: 12p13.33.
Variant type: single nucleotide variant.
Coding change: c.2124G>C on transcript NM_000719.7 (MANE Select); coding-DNA position 2124, G replaced by C.
Protein change: p.Trp708Cys; replaces tryptophan 708 with cysteine.
Molecular consequence: missense variant.
Genome position (GRCh38, 1-based): chr12:2,582,842, G>C. VCF-style: chr12-2582842-G-C. GRCh37 (hg19) VCF-style: chr12-2692008-G-C.
Other names: c.2124G>C, p.Trp708Cys (NM_001129827.2, NM_001129829.2, NM_001129830.3 and 18 more transcripts); c.2115G>C, p.Trp705Cys (NM_001129844.2); short protein forms W705C, W708C.
Identifiers: ClinVar variation 3775733 (VCV003775733.1).
Genomic context (GRCh38, chr12:2,582,842, plus strand): 5'-CTAACGCTGTGTCCCTTATTGGTGGGAATGTGTCATTCAGATCCTGACCGGGGAGGACTG[G>C]AATTCGGTGATGTATGATGGGATCATGGCTTATGGCGGCCCCTCTTTTCCAGGGATGTTA-3'
Protein context (NP_000710.5, residues 698-718): TVFQILTGED[Trp708Cys]NSVMYDGIMA

ClinVar aggregate classification (germline): Uncertain significance (1 of 4 stars; one submission).

Conditions:
Neurodevelopmental disorder with hypotonia, language delay, and skeletal defects with or without seizures (NEDHLSS). Identifiers: MedGen C5774213, MONDO:0859286, OMIM 620029.

Submission:

3billion
Classification: Uncertain significance for Neurodevelopmental disorder with hypotonia, language delay, and skeletal defects with or without seizures. Last evaluated: 2023-12-07. Review status: criteria provided, single submitter. Criteria: ACMG Guidelines, 2015. Collection method: clinical testing. Allele origin: germline. Affected: yes.
Comment: The variant is not observed in the gnomAD v2.1.1 dataset. Predicted Consequence/Location: Missense changes are a common disease-causing mechanism. In silico tool predictions suggest damaging effect of the variant on gene or gene product [REVEL: 0.92 (>=0.6, sensitivity 0.68 and specificity 0.92); 3Cnet: 0.87 (>=0.6, sensitivity 0.72 and precision 0.9)]. Therefore, this variant is classified as VUS according to the recommendation of ACMG/AMP guideline.